The following is an entry in ClinVar:

ClinVar aggregate classification (germline): Pathogenic. Review status: reviewed by expert panel (3 of 4 stars). 2 submissions from 2 submitters: Pathogenic (1). 1 of the submissions does not count toward it. Last evaluated 2016-10-18.

Conditions:
Breast-ovarian cancer, familial, susceptibility to, 1 (BROVCA1). Also called: BRCA1 Hereditary Breast and Ovarian Cancer; OVARIAN CANCER, SUSCEPTIBILITY TO. Identifiers: Orphanet 145, MedGen C2676676, MONDO:0011450, OMIM 604370. Disease mechanism: loss of function.

Submissions (2):

Evidence-based Network for the Interpretation of Germline Mutant Alleles (ENIGMA)
Classification: Pathogenic for Breast-ovarian cancer, familial, susceptibility to, 1. Last evaluated: 2016-10-18. Review status: reviewed by expert panel. Criteria: ENIGMA BRCA1/2 Classification Criteria (2015). Collection method: curation. Allele origin: germline.
Comment: Variant allele predicted to encode a truncated non-functional protein.

Consortium of Investigators of Modifiers of BRCA1/2 (CIMBA), c/o University of Cambridge
Classification: Pathogenic for Breast-ovarian cancer, familial, susceptibility to, 1. Last evaluated: 2015-10-02. Review status: criteria provided, single submitter. Criteria: CIMBA Mutation Classification guidelines May 2016. Collection method: clinical testing. Allele origin: germline. Not counted in ClinVar's aggregate classification.

NM_007294.4(BRCA1):c.4116del (p.Cys1372fs)

Gene: BRCA1 (BRCA1 DNA repair associated; minus strand). Cytogenetic location: 17q21.31.
Variant type: Deletion.
Coding change: c.4116del on transcript NM_007294.4 (MANE Select); coding-DNA position 4116, one base deleted (T; older notation c.4116delT).
Protein change: p.Cys1372fs; shifts the reading frame from cysteine 1372.
Molecular consequence: frameshift variant. On other transcripts: non-coding transcript variant (1).
Genome position (GRCh38, 1-based): chr17:43,091,013, A deleted on the plus strand (T on the coding strand, the reverse complement: BRCA1 is on the minus strand). VCF-style (leftmost placement, unchanged base first): chr17-43091012-CA-C. GRCh37 (hg19) VCF-style: chr17-41243029-CA-C.
Other names: 4235delT; c.804delT, p.Cys268Trpfs (NM_001407992.1, NM_001408392.1, NM_001408396.1 and 13 more transcripts); c.807delT, p.Cys269Trpfs (NM_001407993.1, NM_001408403.1, NM_001408404.1 and 17 more transcripts); c.801delT, p.Cys267Trpfs (NM_001408406.1); c.798delT, p.Cys266Trpfs (NM_001408408.1); c.729delT, p.Cys243Trpfs (NM_001408409.1, NM_001408411.1, NM_001408412.1 and 2 more transcripts); c.666delT, p.Cys222Trpfs (NM_001408410.1, NM_001408452.1, NM_001408453.1 and 11 more transcripts); c.726delT, p.Cys242Trpfs (NM_001408413.1, NM_001408416.1); and 45 more; short protein forms C1325fs, C269fs, C1372fs.
Identifiers: ClinVar variation 266446 (VCV000266446.6), dbSNP rs886040204, ClinGen allele CA10589690.
Genomic context (GRCh38, chr17:43,091,012, plus strand): 5'-TTAAAATGTCACTCTGAGAGGATAGCCCTGAGCAGTCTTCAGAGACGCTTGTTTCACTCT[CA>C]CACCCAGATGCTGCTTCACCTTAAATAACAAAAACAGAGGTTCAGATGTAAAAGCAGACT-3'